The following is an entry in ClinVar:

ClinVar aggregate classification (germline): Uncertain significance (1 of 4 stars; one submission).

Submission:

GeneDx
Classification: Uncertain significance. Last evaluated: 2026-03-22. Review status: criteria provided, single submitter. Criteria: GeneDx Variant Classification Process June 2021. Collection method: clinical testing. Allele origin: germline.
Comment: Not observed at significant frequency in large population cohorts (gnomAD); In silico analysis suggests that this missense variant does not alter protein structure/function; Has not been previously published as pathogenic or benign to our knowledge

NM_016148.5(SHANK1):c.2638C>G (p.Pro880Ala)

Gene: SHANK1 (SH3 and multiple ankyrin repeat domains 1; minus strand). Cytogenetic location: 19q13.33.
Variant type: single nucleotide variant.
Coding change: c.2638C>G on transcript NM_016148.5 (MANE Select); coding-DNA position 2638, C replaced by G.
Protein change: p.Pro880Ala; replaces proline 880 with alanine.
Molecular consequence: missense variant.
Genome position (GRCh38, 1-based): chr19:50,672,054, G>C on the plus strand (C>G on the coding strand, the complement: SHANK1 is on the minus strand). VCF-style: chr19-50672054-G-C. GRCh37 (hg19) VCF-style: chr19-51175311-G-C.
Other names: short protein forms P880A.
Identifiers: ClinVar variation 5017152 (VCV005017152.1).
Genomic context (GRCh38, chr19:50,672,054, plus strand): 5'-CATCTCTTCTTCTGGGTGGCATACCGATAGATTTTTGCCGGAGCATCAACCCAGGTCCTG[G>C]AGGCAGGAAAGAAGGACGCTCGTAACTTGGCTGGGCACGGTGGTGGGGATCGAAGCTCGA-3'
Protein context (NP_057232.2, residues 870-890): PSYERPSFLP[Pro880Ala]GPGLMLRQKS